The following is an entry in ClinVar:

ClinVar aggregate classification (germline): Likely benign (1 of 4 stars; one submission).

gnomAD v4.1: 140 of 1,614,128 alleles (0.0087%); highest among the groups gnomAD compares: Non-Finnish European, 0.011%; no homozygotes.

Submission:

CeGaT Center for Human Genetics Tuebingen
Classification: Likely benign. Last evaluated: 2025-07-01. Review status: criteria provided, single submitter. Criteria: CeGaT Center For Human Genetics Tuebingen Variant Classification Criteria Version 2. Collection method: clinical testing. Allele origin: germline. Affected: yes. Observed: 1 variant allele.
Comment: NFASC: BP4, BP7

NM_001005388.3(NFASC):c.603C>T (p.Asn201=)

Gene: NFASC (neurofascin; plus strand). Cytogenetic location: 1q32.1.
Variant type: single nucleotide variant.
Coding change: c.603C>T on transcript NM_001005388.3 (MANE Select); coding-DNA position 603, C replaced by T.
Protein change: p.Asn201=; no amino-acid change (asparagine 201 retained).
Molecular consequence: synonymous variant. On other transcripts: non-coding transcript variant (1).
Genome position (GRCh38, 1-based): chr1:204,957,723, C>T. VCF-style: chr1-204957723-C-T. GRCh37 (hg19) VCF-style: chr1-204926851-C-T.
Other names: c.603C>T, p.Asn201= (NM_001005389.2, NM_001378329.1); c.585C>T, p.Asn195= (NM_001160331.2, NM_001160332.2, NM_001160333.2 and 4 more transcripts).
Identifiers: ClinVar variation 4083777 (VCV004083777.8).